The following is an entry in ClinVar:

ClinVar aggregate classification (germline): Uncertain significance (1 of 4 stars; one submission).

Submission:

Labcorp Genetics (formerly Invitae), Labcorp
Classification: Uncertain significance. Last evaluated: 2021-07-31. Review status: criteria provided, single submitter. Criteria: Invitae Variant Classification Sherloc (09022015). Collection method: clinical testing. Allele origin: germline.
Comment: This variant, c.601_603dup, results in the insertion of 1 amino acid(s) to the HMX1 protein (p.Gly201dup), but otherwise preserves the integrity of the reading frame. The frequency data for this variant in the population databases is considered unreliable, as metrics indicate insufficient coverage at this position in the ExAC database. This variant has not been reported in the literature in individuals affected with HMX1-related conditions. Experimental studies and prediction algorithms are not available or were not evaluated, and the functional significance of this variant is currently unknown. In summary, the available evidence is currently insufficient to determine the role of this variant in disease. Therefore, it has been classified as a Variant of Uncertain Significance.

NM_018942.3(HMX1):c.595GGC[4] (p.Gly201dup)

Gene: HMX1 (H6 family homeobox 1; minus strand). Cytogenetic location: 4p16.1.
Variant type: Microsatellite.
Coding change: c.595GGC[4] on transcript NM_018942.3 (MANE Select); four copies in a row of the 3-base unit GGC starting at c.595; the reference has three copies in a row; one copy, 3 bases duplicated.
Protein change: p.Gly201dup; duplicates glycine 201.
Molecular consequence: inframe insertion. On other transcripts: intron variant (1).
Genome position (GRCh38, 1-based): chr4:8,868,137-8,868,139, GCC duplicated on the plus strand (GGC on the coding strand, the reverse complement: HMX1 is on the minus strand); duplicating any 3 consecutive bases within chr4:8,868,137-8,868,145 gives the same sequence; the position shown is the placement nearest the transcript's 3' end. VCF-style (leftmost placement, unchanged base first): chr4-8868136-G-GGCC. GRCh37 (hg19) VCF-style: chr4-8869862-G-GGCC.
Other names: c.394+3076GGC[4] (NM_001306142.2).
Identifiers: ClinVar variation 1371393 (VCV001371393.3), dbSNP rs2109473355, ClinGen allele CA2578043322.